The following is an entry in ClinVar:

NM_000051.4(ATM):c.7318A>C (p.Lys2440Gln)

Genes: ATM (ATM serine/threonine kinase; plus strand), C11orf65 (chromosome 11 open reading frame 65; minus strand). Cytogenetic location: 11q22.3.
Variant type: single nucleotide variant.
Coding change: c.7318A>C on transcript NM_000051.4 (MANE Select); coding-DNA position 7318, A replaced by C.
Protein change: p.Lys2440Gln; replaces lysine 2440 with glutamine.
Molecular consequence: missense variant. On other transcripts: intron variant (2).
Genome position (GRCh38, 1-based): chr11:108,330,224, A>C. VCF-style: chr11-108330224-A-C. GRCh37 (hg19) VCF-style: chr11-108200951-A-C.
Other names: c.7318A>C, p.Lys2440Gln (NM_001351834.2); c.641-21153T>G (NM_001330368.2); c.*38+4996T>G (NM_001351110.2); short protein forms K2440Q.
Identifiers: ClinVar variation 3642707 (VCV003642707.2).

ClinVar aggregate classification (germline): Uncertain significance (1 of 4 stars; one submission).

Conditions:
Ataxia-telangiectasia syndrome (AT). Also called: Ataxia-telangiectasia, complementation group D; AT, COMPLEMENTATION GROUP C; ATAXIA-TELANGIECTASIA, COMPLEMENTATION GROUP A; ATAXIA-TELANGIECTASIA, FRESNO VARIANT; Ataxia-telangiectasia; Ataxia-telangiectasia, complementation group E. Identifiers: Orphanet 100, MedGen C0004135, MONDO:0008840, OMIM 208900.

Submission:

Labcorp Genetics (formerly Invitae), Labcorp
Classification: Uncertain significance for Ataxia-telangiectasia syndrome. Last evaluated: 2025-09-12. Review status: criteria provided, single submitter. Criteria: Invitae Variant Classification Sherloc (09022015). Collection method: clinical testing. Allele origin: germline.
Comment: This sequence change replaces lysine, which is basic and polar, with glutamine, which is neutral and polar, at codon 2440 of the ATM protein (p.Lys2440Gln). This variant is not present in population databases (gnomAD no frequency). This variant has not been reported in the literature in individuals affected with ATM-related conditions. ClinVar contains an entry for this variant (Variation ID: 3642707). Invitae Evidence Modeling of protein sequence and biophysical properties (such as structural, functional, and spatial information, amino acid conservation, physicochemical variation, residue mobility, and thermodynamic stability) has been performed for this missense variant. However, the output from this modeling did not meet the statistical confidence thresholds required to predict the impact of this variant on ATM protein function. In summary, the available evidence is currently insufficient to determine the role of this variant in disease. Therefore, it has been classified as a Variant of Uncertain Significance.